The following is an entry in ClinVar:

ClinVar aggregate classification (germline): Likely benign (1 of 4 stars; one submission).

Allele frequency attached by ClinVar (database versions not stated): gnomAD exomes below 0.00001; ExAC 0.00002.
gnomAD v4.1: 1 of 1,397,928 alleles (0.000072%); highest among the groups gnomAD compares: Admixed American, 0.0028%; no homozygotes.

Submission:

CeGaT Center for Human Genetics Tuebingen
Classification: Likely benign. Last evaluated: 2022-07-01. Review status: criteria provided, single submitter. Criteria: CeGaT Center For Human Genetics Tuebingen Variant Classification Criteria Version 2. Collection method: clinical testing. Allele origin: germline. Affected: yes. Observed: 1 variant allele.
Comment: TRIO: BP4, BP7

NM_007118.4(TRIO):c.7122C>T (p.Pro2374=)

Gene: TRIO (trio Rho guanine nucleotide exchange factor; plus strand). Cytogenetic location: 5p15.2.
Variant type: single nucleotide variant.
Coding change: c.7122C>T on transcript NM_007118.4 (MANE Select); coding-DNA position 7122, C replaced by T.
Protein change: p.Pro2374=; no amino-acid change (proline 2374 retained).
Molecular consequence: synonymous variant.
Genome position (GRCh38, 1-based): chr5:14,487,750, C>T. VCF-style: chr5-14487750-C-T. GRCh37 (hg19) VCF-style: chr5-14487859-C-T.
Identifiers: ClinVar variation 2655343 (VCV002655343.24), dbSNP rs765256196, ClinGen allele CA3207333.